The following is an entry in ClinVar:

NM_014008.5(CCDC22):c.1331T>C (p.Leu444Pro)

Gene: CCDC22 (CCC complex scaffolding subunit CCDC22; plus strand). Cytogenetic location: Xp11.23.
Variant type: single nucleotide variant.
Coding change: c.1331T>C on transcript NM_014008.5 (MANE Select); coding-DNA position 1331, T replaced by C.
Protein change: p.Leu444Pro; replaces leucine 444 with proline.
Molecular consequence: missense variant.
Genome position (GRCh38, 1-based): chrX:49,248,634, T>C. VCF-style: chrX-49248634-T-C. GRCh37 (hg19) VCF-style: chrX-49105095-T-C.
Other names: short protein forms L444P.
Identifiers: ClinVar variation 1305185 (VCV001305185.2), dbSNP rs1417250080, ClinGen allele CA412940696.

ClinVar aggregate classification (germline): Uncertain significance (1 of 4 stars; one submission).

Allele frequency attached by ClinVar (database versions not stated): gnomAD exomes below 0.00001 and 0.00001; TOPMed 0.00001.
gnomAD v4.1: 4 of 1,209,278 alleles (0.00033%); highest among the groups gnomAD compares: Admixed American, 0.0022%; 1 homozygote.

Submission:

GeneDx
Classification: Uncertain significance. Last evaluated: 2019-05-01. Review status: criteria provided, single submitter. Criteria: GeneDx Variant Classification Process June 2021. Collection method: clinical testing. Allele origin: germline. Affected: yes.
Comment: In-silico analysis, which includes splice predictors, is inconclusive as to whether the variant alters gene splicing. In the absence of RNA/functional studies, the actual effect of this sequence change is unknown.; In silico analysis, which includes protein predictors and evolutionary conservation, supports that this variant does not alter protein structure/function; Has not been previously published as pathogenic or benign to our knowledge